The following is an entry in ClinVar:

NM_004667.6(HERC2):c.13600C>T (p.Arg4534Cys)

Gene: HERC2 (HECT and RLD domain containing E3 ubiquitin protein ligase 2; minus strand). Cytogenetic location: 15q13.1.
Variant type: single nucleotide variant.
Coding change: c.13600C>T on transcript NM_004667.6 (MANE Select); coding-DNA position 13600, C replaced by T.
Protein change: p.Arg4534Cys; replaces arginine 4534 with cysteine.
Molecular consequence: missense variant.
Genome position (GRCh38, 1-based): chr15:28,116,674, G>A on the plus strand (C>T on the coding strand, the complement: HERC2 is on the minus strand). VCF-style: chr15-28116674-G-A. GRCh37 (hg19) VCF-style: chr15-28361820-G-A.
Other names: c.13600C>T (NM_004667.4); short protein forms R4534C.
Identifiers: ClinVar variation 1702551 (VCV001702551.3), dbSNP rs374508718, ClinGen allele CA7439920.

ClinVar aggregate classification (germline): Uncertain significance. Review status: criteria provided, multiple submitters, no conflicts (2 of 4 stars). 2 submissions from 2 submitters: Uncertain significance (2). Last evaluated 2024-05-14.

Conditions:
Inborn genetic diseases. Identifiers: MedGen C0950123, MeSH D030342.

Allele frequency attached by ClinVar (database versions not stated): gnomAD 0.00004; gnomAD exomes 0.00004 and 0.00010; TOPMed 0.00004; ExAC 0.00011.
gnomAD v4.1: 65 of 1,607,622 alleles (0.004%); highest among the groups gnomAD compares: South Asian, 0.02%; no homozygotes.

Submissions (2):

Ambry Genetics
Classification: Uncertain significance for Inborn genetic diseases. Last evaluated: 2024-05-14. Review status: criteria provided, single submitter. Criteria: Ambry Variant Classification Scheme 2023. Collection method: clinical testing. Allele origin: germline.

GeneDx
Classification: Uncertain significance. Last evaluated: 2022-02-22. Review status: criteria provided, single submitter. Criteria: GeneDx Variant Classification Process June 2021. Collection method: clinical testing. Allele origin: germline. Affected: yes.
Comment: In silico analysis supports that this missense variant has a deleterious effect on protein structure/function; Has not been previously published as pathogenic or benign to our knowledge